The following is an entry in ClinVar:

ClinVar aggregate classification (germline): Pathogenic (1 of 4 stars; one submission).

Conditions:
Actin accumulation myopathy (CMYO2A). Also called: Myopathy, actin, congenital, with cores; Nemaline myopathy 3, with intranuclear rods; CONGENITAL MYOPATHY 2A, TYPICAL, AUTOSOMAL DOMINANT; Nemaline myopathy type 3; Myopathy, actin, congenital, with excess of thin myofilaments. Identifiers: Orphanet 98904, MedGen C3711389, MONDO:0008070, OMIM 161800.

Submission:

Labcorp Genetics (formerly Invitae), Labcorp
Classification: Pathogenic for Actin accumulation myopathy. Last evaluated: 2024-10-17. Review status: criteria provided, single submitter. Criteria: Invitae Variant Classification Sherloc (09022015). Collection method: clinical testing. Allele origin: germline.
Comment: This sequence change replaces asparagine, which is neutral and polar, with serine, which is neutral and polar, at codon 113 of the ACTA1 protein (p.Asn113Ser). This variant is not present in population databases (gnomAD no frequency). This missense change has been observed in individual(s) with autosomal dominant nemaline myopathy (PMID: 18487519, 19562689). In at least one individual the variant was observed to be de novo. This variant is also known as p.Asn111Ser. Invitae Evidence Modeling of protein sequence and biophysical properties (such as structural, functional, and spatial information, amino acid conservation, physicochemical variation, residue mobility, and thermodynamic stability) indicates that this missense variant is not expected to disrupt ACTA1 protein function with a negative predictive value of 80%. For these reasons, this variant has been classified as Pathogenic.

Literature cited by the submitters: PubMed 18487519; PubMed 19562689.

NM_001100.4(ACTA1):c.338A>G (p.Asn113Ser)

Gene: ACTA1 (actin alpha 1, skeletal muscle; minus strand). Cytogenetic location: 1q42.13.
Variant type: single nucleotide variant.
Coding change: c.338A>G on transcript NM_001100.4 (MANE Select); coding-DNA position 338, A replaced by G.
Protein change: p.Asn113Ser; replaces asparagine 113 with serine.
Molecular consequence: missense variant.
Genome position (GRCh38, 1-based): chr1:229,432,672, T>C on the plus strand (A>G on the coding strand, the complement: ACTA1 is on the minus strand). VCF-style: chr1-229432672-T-C. GRCh37 (hg19) VCF-style: chr1-229568419-T-C.
Other names: short protein forms N113S.
Identifiers: ClinVar variation 2734106 (VCV002734106.3), dbSNP rs2527439036, ClinGen allele CA345149805.